The following is an entry in ClinVar:

ClinVar aggregate classification (germline): Uncertain significance (1 of 4 stars; one submission).

Conditions:
Ovarian dysgenesis 11. Identifiers: MedGen C5935637, MONDO:0971176, OMIM 620897.

gnomAD v4.1: 7 of 1,614,048 alleles (0.00043%); highest among the groups gnomAD compares: Admixed American, 0.0017%; no homozygotes.

Submission:

Clinical Genetics Laboratory, University Hospital Schleswig-Holstein
Classification: Uncertain significance for Ovarian dysgenesis 11. Last evaluated: 2025-12-02. Review status: criteria provided, single submitter. Criteria: ACMG Guidelines, 2015. Collection method: clinical testing. Allele origin: germline. Affected: yes. Observed: 1 heterozygote.
Comment: ACMG criteria applied: PM2, PP3

NM_001171251.3(HROB):c.1495G>A (p.Val499Met)

Gene: HROB (homologous recombination factor with OB-fold; plus strand). Cytogenetic location: 17q21.31.
Variant type: single nucleotide variant.
Coding change: c.1495G>A on transcript NM_001171251.3 (MANE Select); coding-DNA position 1495, G replaced by A.
Protein change: p.Val499Met; replaces valine 499 with methionine.
Molecular consequence: missense variant.
Genome position (GRCh38, 1-based): chr17:44,154,601, G>A. VCF-style: chr17-44154601-G-A. GRCh37 (hg19) VCF-style: chr17-42231969-G-A.
Other names: c.1270G>A, p.Val424Met (NM_001321310.2); c.1492G>A, p.Val498Met (NM_001321311.2); c.1498G>A, p.Val500Met (NM_024032.5); short protein forms V500M, V498M, V499M, V424M.
Identifiers: ClinVar variation 4891551 (VCV004891551.1).